The following is an entry in ClinVar:

NM_001378454.1(ALMS1):c.9742T>C (p.Ser3248Pro)

Gene: ALMS1 (ALMS1 centrosome and basal body associated protein; plus strand). Cytogenetic location: 2p13.1.
Variant type: single nucleotide variant.
Coding change: c.9742T>C on transcript NM_001378454.1 (MANE Select); coding-DNA position 9742, T replaced by C.
Protein change: p.Ser3248Pro; replaces serine 3248 with proline.
Molecular consequence: missense variant.
Genome position (GRCh38, 1-based): chr2:73,519,977, T>C. VCF-style: chr2-73519977-T-C. GRCh37 (hg19) VCF-style: chr2-73747104-T-C.
Other names: c.9745T>C, p.Ser3249Pro (NM_015120.4); short protein forms S3248P, S3249P.
Identifiers: ClinVar variation 2071405 (VCV002071405.4), dbSNP rs776046258, ClinGen allele CA1714751.
Genomic context (GRCh38, chr2:73,519,977, plus strand): 5'-GAAATTATAGAGCCTGGTAACCAGAAGCTACGCAAAGCTCCTGTCAAGTTTGCCTCATCA[T>C]CTTCAGTCCAACAGGTTACTTTTTCTCGCGGCACAGATGGTAAGAGAATGTGATTGCATT-3'
Protein context (NP_001365383.1, residues 3238-3258): RKAPVKFASS[Ser3248Pro]SVQQVTFSRG

ClinVar aggregate classification (germline): Uncertain significance (1 of 4 stars; one submission).

Conditions:
Alstrom syndrome (ALMS). Identifiers: Orphanet 64, MedGen C0268425, MONDO:0008763, OMIM 203800.

Allele frequency attached by ClinVar (database versions not stated): gnomAD exomes below 0.00001; ExAC 0.00001.
gnomAD v4.1: 1 of 1,614,128 alleles (0.000062%); highest among the groups gnomAD compares: Non-Finnish European, 0.000085%; no homozygotes.

Submission:

Labcorp Genetics (formerly Invitae), Labcorp
Classification: Uncertain significance for Alstrom syndrome. Last evaluated: 2022-06-26. Review status: criteria provided, single submitter. Criteria: Invitae Variant Classification Sherloc (09022015). Collection method: clinical testing. Allele origin: germline.
Comment: This variant is present in population databases (rs776046258, gnomAD 0.0009%). This sequence change replaces serine, which is neutral and polar, with proline, which is neutral and non-polar, at codon 3249 of the ALMS1 protein (p.Ser3249Pro). This variant has not been reported in the literature in individuals affected with ALMS1-related conditions. Experimental studies and prediction algorithms are not available or were not evaluated, and the functional significance of this variant is currently unknown. In summary, the available evidence is currently insufficient to determine the role of this variant in disease. Therefore, it has been classified as a Variant of Uncertain Significance.